The following is an entry in ClinVar:

ClinVar aggregate classification (germline): Likely pathogenic (1 of 4 stars; one submission).

Conditions:
Nephronophthisis 18 (NPHP18). Identifiers: Orphanet 655, MedGen C3890591, MONDO:0014374, OMIM 615862.

Submission:

Juno Genomics, Hangzhou Juno Genomics, Inc
Classification: Likely pathogenic for Nephronophthisis 18. Review status: criteria provided, single submitter. Criteria: ACMG Guidelines, 2015. Collection method: clinical testing. Allele origin: germline.
Comment: Null variant in a gene where loss of function (LOF) is a known mechanism of disease.;Absent from controls (or at extremely low frequency if recessive) in Genome Aggregation Database.

NM_016122.3(CEP83):c.148C>T (p.Gln50Ter)

Gene: CEP83 (centrosomal protein 83; minus strand). Cytogenetic location: 12q22.
Variant type: single nucleotide variant.
Coding change: c.148C>T on transcript NM_016122.3 (MANE Select); coding-DNA position 148, C replaced by T.
Protein change: p.Gln50Ter; replaces glutamine 50 with a stop codon.
Molecular consequence: nonsense. On other transcripts: non-coding transcript variant (1), intron variant (6).
Genome position (GRCh38, 1-based): chr12:94,412,343, G>A on the plus strand (C>T on the coding strand, the complement: CEP83 is on the minus strand). VCF-style: chr12-94412343-G-A. GRCh37 (hg19) VCF-style: chr12-94806119-G-A.
Other names: c.148C>T, p.Gln50Ter (NM_001042399.2, NM_001346457.2, NM_001346460.2 and 4 more transcripts); c.-140+174C>T (NM_001346459.2, NM_001346458.2, NM_001368040.1 and 3 more transcripts); short protein forms Q50*.
Identifiers: ClinVar variation 5005205 (VCV005005205.2).